The following is an entry in ClinVar:

ClinVar aggregate classification (germline): Pathogenic (1 of 4 stars; one submission).

Conditions:
Tuberous sclerosis 2 (TSC2). Identifiers: Orphanet 805, MedGen C1860707, MONDO:0013199, OMIM 613254.

Submission:

Labcorp Genetics (formerly Invitae), Labcorp
Classification: Pathogenic for Tuberous sclerosis 2. Last evaluated: 2019-10-08. Review status: criteria provided, single submitter. Criteria: Invitae Variant Classification Sherloc (09022015). Collection method: clinical testing. Allele origin: germline.
Comment: This sequence change creates a premature translational stop signal (p.Ser1079Aspfs*91) in the TSC2 gene. It is expected to result in an absent or disrupted protein product. This variant is not present in population databases (ExAC no frequency). This variant has been reported in individuals in the Leiden Open-source Variation Database (PMID: 21520333). Loss-of-function variants in TSC2 are known to be pathogenic (PMID: 10205261, 17304050). For these reasons, this variant has been classified as Pathogenic.

Literature cited by the submitters: PubMed 21520333; PubMed 10205261; PubMed 17304050.

NM_000548.5(TSC2):c.3228_3234dup (p.Ser1079fs)

Gene: TSC2 (TSC complex subunit 2; plus strand). Cytogenetic location: 16p13.3.
Variant type: Duplication.
Coding change: c.3228_3234dup on transcript NM_000548.5 (MANE Select); coding-DNA positions 3228 to 3234, 7 bases duplicated (GACCCGG; older notation c.3228_3234dupGACCCGG).
Protein change: p.Ser1079fs; shifts the reading frame from serine 1079.
Molecular consequence: frameshift variant.
Genome position (GRCh38, 1-based): chr16:2,079,372-2,079,378, GACCCGG duplicated; duplicating any 7 consecutive bases within chr16:2,079,368-2,079,378 gives the same sequence; the c. name uses the placement nearest the transcript's 3' end. VCF-style (leftmost placement, unchanged base first): chr16-2079367-A-ACCGGGAC. GRCh37 (hg19) VCF-style: chr16-2129368-A-ACCGGGAC.
Other names: c.3096_3102dup, p.Ser1035fs (NM_001077183.3, NM_001370404.1); c.3228_3234dup, p.Ser1079fs (NM_001114382.3); c.2988_2994dup, p.Ser999fs (NM_001318827.2); c.2952_2958dup, p.Ser987fs (NM_001318829.2); c.2496_2502dup, p.Ser835fs (NM_001318831.2); c.3129_3135dup, p.Ser1046fs (NM_001318832.2); c.3099_3105dup, p.Ser1036fs (NM_001363528.2, NM_001370405.1, NM_021055.3); short protein forms S1035fs, S1079fs, S1046fs, S987fs, S1036fs, S835fs, S999fs.
Identifiers: ClinVar variation 939819 (VCV000939819.9), dbSNP rs2089834376, ClinGen allele CA1139664251.